The following is an entry in ClinVar:

ClinVar aggregate classification (germline): Uncertain significance (1 of 4 stars; one submission).

Conditions:
Inborn genetic diseases. Identifiers: MedGen C0950123, MeSH D030342.

Allele frequency attached by ClinVar (database versions not stated): gnomAD exomes below 0.00001; TOPMed below 0.00001.
gnomAD v4.1: 1 of 1,613,240 alleles (0.000062%); highest among the groups gnomAD compares: African/African-American, 0.0013%; no homozygotes.

Submission:

Ambry Genetics
Classification: Uncertain significance for Inborn genetic diseases. Last evaluated: 2022-01-10. Review status: criteria provided, single submitter. Criteria: Ambry Variant Classification Scheme 2023. Collection method: clinical testing. Allele origin: germline.
Comment: The p.E623D variant (also known as c.1869G>C), located in coding exon 13 of the LTBP3 gene, results from a G to C substitution at nucleotide position 1869. The glutamic acid at codon 623 is replaced by aspartic acid, an amino acid with highly similar properties. This amino acid position is conserved. In addition, this alteration is predicted to be tolerated by in silico analysis. Since supporting evidence is limited at this time, the clinical significance of this alteration remains unclear.

NM_001130144.3(LTBP3):c.1869G>C (p.Glu623Asp)

Gene: LTBP3 (latent transforming growth factor beta binding protein 3; minus strand). Cytogenetic location: 11q13.1.
Variant type: single nucleotide variant.
Coding change: c.1869G>C on transcript NM_001130144.3 (MANE Select); coding-DNA position 1869, G replaced by C.
Protein change: p.Glu623Asp; replaces glutamic acid 623 with aspartic acid.
Molecular consequence: missense variant.
Genome position (GRCh38, 1-based): chr11:65,547,799, C>G on the plus strand (G>C on the coding strand, the complement: LTBP3 is on the minus strand). VCF-style: chr11-65547799-C-G. GRCh37 (hg19) VCF-style: chr11-65315270-C-G.
Other names: c.1518G>C, p.Glu506Asp (NM_001164266.1); c.1869G>C, p.Glu623Asp (NM_021070.4); short protein forms E506D, E623D.
Identifiers: ClinVar variation 1781627 (VCV001781627.2), dbSNP rs1856440543, ClinGen allele CA381271609.